The following is an entry in ClinVar:

ClinVar aggregate classification (germline): Pathogenic. Review status: criteria provided, multiple submitters, no conflicts (2 of 4 stars). 3 submissions from 3 submitters: Pathogenic (3). Last evaluated 2025-10-23.

Conditions:
Primary ciliary dyskinesia 28. Also called: CILIARY DYSKINESIA, PRIMARY, 28, WITH OR WITHOUT SITUS INVERSUS. Identifiers: Orphanet 244, MedGen C3809706, MONDO:0014216, OMIM 615505.
SPAG1-related disorder. Also called: SPAG1-related condition.

gnomAD v4.1: 248 of 1,459,994 alleles (0.017%); highest among the groups gnomAD compares: Non-Finnish European, 0.021%; no homozygotes.

Submissions (3):

Labcorp Genetics (formerly Invitae), Labcorp
Classification: Pathogenic for Primary ciliary dyskinesia 28. Last evaluated: 2025-10-23. Review status: criteria provided, single submitter. Criteria: Invitae Variant Classification Sherloc (09022015). Collection method: clinical testing. Allele origin: germline.
Comment: This sequence change falls in intron 10 of the SPAG1 gene. It does not directly change the encoded amino acid sequence of the SPAG1 protein. RNA analysis indicates that this variant induces altered splicing and may result in an absent or altered protein product. This variant is present in population databases (rs751103088, gnomAD 0.01%). This variant has been observed in individual(s) with primary ciliary dyskinesia (PMID: 35178554). In at least one individual the data is consistent with being in trans (on the opposite chromosome) from a pathogenic variant. ClinVar contains an entry for this variant (Variation ID: 2179139). Studies have shown that this variant results in activation of a cryptic splice site, and produces a non-functional protein and/or introduces a premature termination codon (PMID: 35178554). For these reasons, this variant has been classified as Pathogenic.

GeneDx
Classification: Pathogenic. Last evaluated: 2025-03-18. Review status: criteria provided, single submitter. Criteria: GeneDx Variant Classification Process June 2021. Collection method: clinical testing. Allele origin: germline.
Comment: Published functional studies demonstrate a damaging effect; this variant is expected to lead to a substitution that shifts the exon 11 splice donor site ten nucleotides upstream and lead to a premature stop codon at the start of exon 12 (PMID: 35178554); In silico analysis supports a deleterious effect on splicing; This variant is associated with the following publications: (PMID: 35178554)

Blueprint Genetics
Classification: Pathogenic for SPAG1-related disorders. Last evaluated: 2024-03-06. Review status: criteria provided, single submitter. Criteria: ACMG Guidelines, 2015. Collection method: clinical testing. Allele origin: germline. Affected: yes. Observed: 5 variant alleles.

Literature cited by the submitters: PubMed 35178554 (cited by Labcorp Genetics (formerly Invitae), Labcorp).

NM_003114.5(SPAG1):c.1097-11C>G

Gene: SPAG1 (sperm associated antigen 1; plus strand). Cytogenetic location: 8q22.2.
Variant type: single nucleotide variant.
Coding change: c.1097-11C>G on transcript NM_003114.5 (MANE Select); 11 bases into the intron before coding-DNA position 1097, C replaced by G.
Molecular consequence: intron variant.
Genome position (GRCh38, 1-based): chr8:100,213,079, C>G. VCF-style: chr8-100213079-C-G. GRCh37 (hg19) VCF-style: chr8-101225307-C-G.
Other names: c.1097-11C>G (NM_001374321.1, NM_172218.3).
Identifiers: ClinVar variation 2179139 (VCV002179139.7), dbSNP rs751103088, ClinGen allele CA4827463.